The following is an entry in ClinVar:

NM_001352027.3(PHF21A):c.1838A>T (p.His613Leu)

Gene: PHF21A (PHD finger protein 21A; minus strand). Cytogenetic location: 11p11.2.
Variant type: single nucleotide variant.
Coding change: c.1838A>T on transcript NM_001352027.3 (MANE Select); coding-DNA position 1838, A replaced by T.
Protein change: p.His613Leu; replaces histidine 613 with leucine.
Molecular consequence: missense variant. On other transcripts: non-coding transcript variant (2).
Genome position (GRCh38, 1-based): chr11:45,934,176, T>A on the plus strand (A>T on the coding strand, the complement: PHF21A is on the minus strand). VCF-style: chr11-45934176-T-A. GRCh37 (hg19) VCF-style: chr11-45955727-T-A.
Other names: c.1835A>T (NM_001101802.1); c.1835A>T, p.His612Leu (NM_001101802.3); c.1838A>T, p.His613Leu (NM_001352025.3, NM_001352026.3); c.1697A>T, p.His566Leu (NM_001352028.1, NM_001352029.1, NM_016621.5); c.1694A>T, p.His565Leu (NM_001352030.3, NM_001352031.3, NM_001352032.3); short protein forms H613L, H612L, H565L, H566L.
Identifiers: ClinVar variation 2182152 (VCV002182152.5), dbSNP rs150425973, ClinGen allele CA5960946.

ClinVar aggregate classification (germline): Conflicting classifications of pathogenicity. Review status: criteria provided, conflicting classifications (1 of 4 stars). 2 submissions from 2 submitters: Uncertain significance (1); Likely benign (1). Last evaluated 2025-11-17.

Conditions:
Inborn genetic diseases. Identifiers: MedGen C0950123, MeSH D030342.

Allele frequency attached by ClinVar (database versions not stated): gnomAD 0.00005; ExAC 0.00006; TOPMed 0.00011; 1000 Genomes Project 30x 0.00016; 1000 Genomes Project 0.00020; ESP Exome Variant Server 0.00023.
gnomAD v4.1: 28 of 1,614,036 alleles (0.0017%); highest among the groups gnomAD compares: African/African-American, 0.028%; no homozygotes.

Submissions (2):

Labcorp Genetics (formerly Invitae), Labcorp
Classification: Uncertain significance. Last evaluated: 2025-11-17. Review status: criteria provided, single submitter. Criteria: Invitae Variant Classification Sherloc (09022015). Collection method: clinical testing. Allele origin: germline.
Comment: This sequence change replaces histidine, which is basic and polar, with leucine, which is neutral and non-polar, at codon 612 of the PHF21A protein (p.His612Leu). This variant is present in population databases (rs150425973, gnomAD 0.03%). This variant has not been reported in the literature in individuals affected with PHF21A-related conditions. ClinVar contains an entry for this variant (Variation ID: 2182152). Invitae Evidence Modeling of protein sequence and biophysical properties (such as structural, functional, and spatial information, amino acid conservation, physicochemical variation, residue mobility, and thermodynamic stability) indicates that this missense variant is not expected to disrupt PHF21A protein function with a negative predictive value of 80%. In summary, the available evidence is currently insufficient to determine the role of this variant in disease. Therefore, it has been classified as a Variant of Uncertain Significance.

Ambry Genetics
Classification: Likely benign for Inborn genetic diseases. Last evaluated: 2024-01-16. Review status: criteria provided, single submitter. Criteria: Ambry Variant Classification Scheme 2023. Collection method: clinical testing. Allele origin: germline.